The following is an entry in ClinVar:

NM_001105206.3(LAMA4):c.2832G>T (p.Lys944Asn)

Genes: LAMA4 (laminin subunit alpha 4; minus strand), LOC126859766 (MED14-independent group 3 enhancer GRCh37_chr6:112462018-112463217; plus strand). Cytogenetic location: 6q21.
Variant type: single nucleotide variant.
Coding change: c.2832G>T on transcript NM_001105206.3 (MANE Select); coding-DNA position 2832, G replaced by T.
Protein change: p.Lys944Asn; replaces lysine 944 with asparagine.
Molecular consequence: missense variant.
Genome position (GRCh38, 1-based): chr6:112,140,904, C>A on the plus strand (G>T on the coding strand, the complement: LAMA4 is on the minus strand). VCF-style: chr6-112140904-C-A. GRCh37 (hg19) VCF-style: chr6-112462106-C-A.
Other names: c.2811G>T, p.Lys937Asn (NM_001105207.3, NM_002290.5); short protein forms K944N, K937N.
Identifiers: ClinVar variation 1367111 (VCV001367111.10), dbSNP rs140978616, ClinGen allele CA3965373.

ClinVar aggregate classification (germline): Uncertain significance. Review status: criteria provided, multiple submitters, no conflicts (2 of 4 stars). 2 submissions from 2 submitters: Uncertain significance (2). Last evaluated 2024-10-24.

Conditions:
Cardiovascular phenotype. Identifiers: MedGen CN230736.
Dilated cardiomyopathy 1JJ (CMD1JJ). Identifiers: Orphanet 154, MedGen C3808935, MONDO:0014095, OMIM 615235.

Allele frequency attached by ClinVar (database versions not stated): gnomAD 0.00001; TOPMed 0.00003; ESP Exome Variant Server 0.00015.
gnomAD v4.1: 7 of 1,613,080 alleles (0.00043%); highest among the groups gnomAD compares: Admixed American, 0.0017%; no homozygotes.

Submissions (2):

Labcorp Genetics (formerly Invitae), Labcorp
Classification: Uncertain significance for Dilated cardiomyopathy 1JJ. Last evaluated: 2024-10-24. Review status: criteria provided, single submitter. Criteria: Invitae Variant Classification Sherloc (09022015). Collection method: clinical testing. Allele origin: germline.
Comment: This sequence change replaces lysine, which is basic and polar, with asparagine, which is neutral and polar, at codon 937 of the LAMA4 protein (p.Lys937Asn). This variant is present in population databases (rs140978616, gnomAD 0.003%). This variant has not been reported in the literature in individuals affected with LAMA4-related conditions. ClinVar contains an entry for this variant (Variation ID: 1367111). Invitae Evidence Modeling of protein sequence and biophysical properties (such as structural, functional, and spatial information, amino acid conservation, physicochemical variation, residue mobility, and thermodynamic stability) indicates that this missense variant is not expected to disrupt LAMA4 protein function with a negative predictive value of 80%. In summary, the available evidence is currently insufficient to determine the role of this variant in disease. Therefore, it has been classified as a Variant of Uncertain Significance.

Ambry Genetics
Classification: Uncertain significance for Cardiovascular phenotype. Last evaluated: 2024-03-01. Review status: criteria provided, single submitter. Criteria: Ambry Variant Classification Scheme 2023. Collection method: clinical testing. Allele origin: germline.
Comment: The p.K937N variant (also known as c.2811G>T), located in coding exon 21 of the LAMA4 gene, results from a G to T substitution at nucleotide position 2811. The lysine at codon 937 is replaced by asparagine, an amino acid with similar properties. This amino acid position is highly conserved in available vertebrate species. In addition, this alteration is predicted to be tolerated by in silico analysis. Since supporting evidence is limited at this time, the clinical significance of this alteration remains unclear.